The following is an entry in ClinVar:

ClinVar aggregate classification (germline): Uncertain significance. Review status: criteria provided, multiple submitters, no conflicts (2 of 4 stars). 2 submissions from 2 submitters: Uncertain significance (2). Last evaluated 2025-12-22.

Allele frequency attached by ClinVar (database versions not stated): gnomAD exomes 0.00004.

Submissions (2):

Labcorp Genetics (formerly Invitae), Labcorp
Classification: Uncertain significance. Last evaluated: 2025-12-22. Review status: criteria provided, single submitter. Criteria: Invitae Variant Classification Sherloc (09022015). Collection method: clinical testing. Allele origin: germline.
Comment: This sequence change replaces arginine, which is basic and polar, with cysteine, which is neutral and slightly polar, at codon 111 of the TNFRSF6B protein (p.Arg111Cys). This variant is present in population databases (no rsID available, gnomAD 0.008%). This variant has not been reported in the literature in individuals affected with TNFRSF6B-related conditions. ClinVar contains an entry for this variant (Variation ID: 1408798). An algorithm developed to predict the effect of missense changes on protein structure and function outputs the following: PolyPhen-2: "Probably Damaging". The cysteine amino acid residue is found in multiple mammalian species, which suggests that this missense change does not adversely affect protein function. In summary, the available evidence is currently insufficient to determine the role of this variant in disease. Therefore, it has been classified as a Variant of Uncertain Significance.

Ambry Genetics
Classification: Uncertain significance. Last evaluated: 2024-03-05. Review status: criteria provided, single submitter. Criteria: Ambry Variant Classification Scheme 2023. Collection method: clinical testing. Allele origin: germline.

NM_003823.4(TNFRSF6B):c.331C>T (p.Arg111Cys)

Genes: RTEL1-TNFRSF6B (RTEL1-TNFRSF6B readthrough (NMD candidate); plus strand), TNFRSF6B (TNF receptor superfamily member 6b; plus strand). Cytogenetic location: 20q13.33.
Variant type: single nucleotide variant.
Coding change: c.331C>T on transcript NM_003823.4 (MANE Select); coding-DNA position 331, C replaced by T.
Protein change: p.Arg111Cys; replaces arginine 111 with cysteine.
Molecular consequence: missense variant. On other transcripts: non-coding transcript variant (1).
Genome position (GRCh38, 1-based): chr20:63,697,098, C>T. VCF-style: chr20-63697098-C-T. GRCh37 (hg19) VCF-style: chr20-62328451-C-T.
Other names: c.331C>T (NM_003823.3); short protein forms R111C.
Identifiers: ClinVar variation 1408798 (VCV001408798.7), dbSNP rs1166317805, ClinGen allele CA409711224.